The following is an entry in ClinVar:

ClinVar aggregate classification (germline): Uncertain significance (1 of 4 stars; one submission).

Submission:

Labcorp Genetics (formerly Invitae), Labcorp
Classification: Uncertain significance. Last evaluated: 2022-03-04. Review status: criteria provided, single submitter. Criteria: Invitae Variant Classification Sherloc (09022015). Collection method: clinical testing. Allele origin: germline.
Comment: This sequence change replaces cysteine, which is neutral and slightly polar, with serine, which is neutral and polar, at codon 120 of the LTBP4 protein (p.Cys120Ser). This variant is not present in population databases (gnomAD no frequency). In summary, the available evidence is currently insufficient to determine the role of this variant in disease. Therefore, it has been classified as a Variant of Uncertain Significance. Experimental studies and prediction algorithms are not available or were not evaluated, and the functional significance of this variant is currently unknown. This variant has not been reported in the literature in individuals affected with LTBP4-related conditions.

NM_001042545.2(LTBP4):c.269G>C (p.Cys90Ser)

Gene: LTBP4 (latent transforming growth factor beta binding protein 4; plus strand). Cytogenetic location: 19q13.2.
Variant type: single nucleotide variant.
Coding change: c.269G>C on transcript NM_001042545.2 (MANE Select); coding-DNA position 269, G replaced by C.
Protein change: p.Cys90Ser; replaces cysteine 90 with serine.
Molecular consequence: missense variant.
Genome position (GRCh38, 1-based): chr19:40,605,053, G>C. VCF-style: chr19-40605053-G-C. GRCh37 (hg19) VCF-style: chr19-41110959-G-C.
Other names: c.470G>C, p.Cys157Ser (NM_001042544.1); c.359G>C, p.Cys120Ser (NM_003573.2); short protein forms C157S, C90S, C120S.
Identifiers: ClinVar variation 1932158 (VCV001932158.5), dbSNP rs1293711008, ClinGen allele CA405932687.